The following is an entry in ClinVar:

NM_032520.5(GNPTG):c.439C>T (p.Arg147Trp)

Gene: GNPTG (N-acetylglucosamine-1-phosphate transferase subunit gamma; plus strand). Cytogenetic location: 16p13.3.
Variant type: single nucleotide variant.
Coding change: c.439C>T on transcript NM_032520.5 (MANE Select); coding-DNA position 439, C replaced by T.
Protein change: p.Arg147Trp; replaces arginine 147 with tryptophan.
Molecular consequence: missense variant.
Genome position (GRCh38, 1-based): chr16:1,362,233, C>T. VCF-style: chr16-1362233-C-T. GRCh37 (hg19) VCF-style: chr16-1412234-C-T.
Other names: short protein forms R147W.
Identifiers: ClinVar variation 1042823 (VCV001042823.4), dbSNP rs775985395, ClinGen allele CA7807703.

ClinVar aggregate classification (germline): Uncertain significance. Review status: criteria provided, single submitter (1 of 4 stars). 2 submissions from 2 submitters: Uncertain significance (1). 1 of the submissions does not count toward it. Last evaluated 2025-01-27.

Conditions:
GNPTG-mucolipidosis. Also called: ML III GAMMA; ML IIIC; Mucolipidosis type III gamma; MUCOLIPIDOSIS III, COMPLEMENTATION GROUP C; MUCOLIPIDOSIS III, IRANIAN VARIANT FORM; MUCOLIPIDOSIS III, VARIANT FORM. Identifiers: Orphanet 423470, Orphanet 577, MedGen C1854896, MONDO:0009652, OMIM 252605.

Allele frequency attached by ClinVar (database versions not stated): ExAC 0.00001; TOPMed 0.00002; gnomAD 0.00004.

Submissions (2):

Labcorp Genetics (formerly Invitae), Labcorp
Classification: Uncertain significance. Last evaluated: 2025-01-27. Review status: criteria provided, single submitter. Criteria: Invitae Variant Classification Sherloc (09022015). Collection method: clinical testing. Allele origin: germline.
Comment: This sequence change replaces arginine, which is basic and polar, with tryptophan, which is neutral and slightly polar, at codon 147 of the GNPTG protein (p.Arg147Trp). This variant is present in population databases (rs775985395, gnomAD 0.003%). This variant has not been reported in the literature in individuals affected with GNPTG-related conditions. ClinVar contains an entry for this variant (Variation ID: 1042823). Invitae Evidence Modeling of protein sequence and biophysical properties (such as structural, functional, and spatial information, amino acid conservation, physicochemical variation, residue mobility, and thermodynamic stability) indicates that this missense variant is not expected to disrupt GNPTG protein function with a negative predictive value of 80%. In summary, the available evidence is currently insufficient to determine the role of this variant in disease. Therefore, it has been classified as a Variant of Uncertain Significance.

Natera, Inc.
Classification: Uncertain significance for Mucolipidosis III gamma. Last evaluated: 2020-06-09. Review status: no assertion criteria provided. Collection method: clinical testing. Allele origin: germline. Not counted in ClinVar's aggregate classification.